The following is an entry in ClinVar:

NM_004329.3(BMPR1A):c.309T>C (p.Tyr103=)

Gene: BMPR1A (bone morphogenetic protein receptor type 1A; plus strand). Cytogenetic location: 10q23.2.
Variant type: single nucleotide variant.
Coding change: c.309T>C on transcript NM_004329.3 (MANE Select); coding-DNA position 309, T replaced by C.
Protein change: p.Tyr103=; no amino-acid change (tyrosine 103 retained).
Molecular consequence: synonymous variant.
Genome position (GRCh38, 1-based): chr10:86,892,205, T>C. VCF-style: chr10-86892205-T-C. GRCh37 (hg19) VCF-style: chr10-88651962-T-C.
Identifiers: ClinVar variation 629244 (VCV000629244.10), dbSNP rs876658891, ClinGen allele CA470305182.

ClinVar aggregate classification (germline): Benign/Likely benign. Review status: criteria provided, multiple submitters, no conflicts (2 of 4 stars). 5 submissions from 5 submitters: Benign (1); Likely benign (4). Last evaluated 2024-10-12.

Conditions:
Juvenile polyposis syndrome (JPS). Identifiers: Orphanet 2929, MedGen C0345893, MONDO:0017380, OMIM 174900.
Hereditary cancer-predisposing syndrome. Also called: Tumor predisposition; Neoplastic Syndromes, Hereditary; Hereditary Cancer Syndrome; Hereditary neoplastic syndrome. Identifiers: Orphanet 140162, MedGen C0027672, MeSH D009386, MONDO:0015356.

Submissions (5):

Labcorp Genetics (formerly Invitae), Labcorp
Classification: Likely benign for Juvenile polyposis syndrome. Last evaluated: 2024-10-12. Review status: criteria provided, single submitter. Criteria: Invitae Variant Classification Sherloc (09022015). Collection method: clinical testing. Allele origin: germline.

Myriad Genetics, Inc.
Classification: Benign for Juvenile polyposis syndrome. Last evaluated: 2024-07-31. Review status: criteria provided, single submitter. Criteria: Myriad Autosomal Dominant, Autosomal Recessive and X-Linked Classification Criteria (2023). Collection method: clinical testing. Allele origin: unknown.
Comment: This variant is considered benign. This variant is a silent/synonymous amino acid change and it is not expected to impact splicing.

Ambry Genetics
Classification: Likely benign for Hereditary cancer-predisposing syndrome. Last evaluated: 2023-11-08. Review status: criteria provided, single submitter. Criteria: Ambry Variant Classification Scheme 2023. Collection method: clinical testing. Allele origin: germline.

All of Us Research Program, National Institutes of Health
Classification: Likely benign for Juvenile polyposis syndrome. Last evaluated: 2023-05-16. Review status: criteria provided, single submitter. Criteria: ACMG Guidelines, 2015. Collection method: clinical testing. Allele origin: germline. Inheritance: Autosomal dominant inheritance. Observed: 1 variant allele, 1 heterozygote.
Comment: This study involves interpretation of variants in research participants for the purpose of population health screening. Participant phenotype was not available at the time of variant classification. Additional details can be found in publication PMID: 35346344, PMCID: PMC8962531

Color Diagnostics, LLC DBA Color Health
Classification: Likely benign for Hereditary cancer-predisposing syndrome. Last evaluated: 2018-09-24. Review status: criteria provided, single submitter. Criteria: ACMG Guidelines, 2015. Collection method: clinical testing. Allele origin: germline.